The following is an entry in ClinVar:

NM_001349253.2(SCN11A):c.4208G>A (p.Trp1403Ter)

Gene: SCN11A (sodium voltage-gated channel alpha subunit 11; minus strand). Cytogenetic location: 3p22.2.
Variant type: single nucleotide variant.
Coding change: c.4208G>A on transcript NM_001349253.2 (MANE Select); coding-DNA position 4208, G replaced by A.
Protein change: p.Trp1403Ter; replaces tryptophan 1403 with a stop codon.
Molecular consequence: nonsense.
Genome position (GRCh38, 1-based): chr3:38,850,600, C>T on the plus strand (G>A on the coding strand, the complement: SCN11A is on the minus strand). VCF-style: chr3-38850600-C-T. GRCh37 (hg19) VCF-style: chr3-38892091-C-T.
Other names: c.4208G>A, p.Trp1403Ter (NM_014139.3); short protein forms W1403*.
Identifiers: ClinVar variation 838812 (VCV000838812.7), dbSNP rs2064760506, ClinGen allele CA352165487.

ClinVar aggregate classification (germline): Uncertain significance (1 of 4 stars; one submission).

Conditions:
Hereditary sensory and autonomic neuropathy type 7. Also called: Neuropathy, hereditary sensory and autonomic, type VII; HSAN VII. Identifiers: Orphanet 391397, MedGen C3809882, MONDO:0014244, OMIM 615548.
Familial episodic pain syndrome with predominantly lower limb involvement. Also called: Episodic pain syndrome, familial, 3. Identifiers: Orphanet 391384, Orphanet 391392, MedGen C3809899, MONDO:0014247, OMIM 615552.

Submission:

Labcorp Genetics (formerly Invitae), Labcorp
Classification: Uncertain significance for Familial episodic pain syndrome with predominantly lower limb involvement; Hereditary sensory and autonomic neuropathy type 7. Last evaluated: 2019-12-19. Review status: criteria provided, single submitter. Criteria: Invitae Variant Classification Sherloc (09022015). Collection method: clinical testing. Allele origin: germline.
Comment: In summary, the available evidence is currently insufficient to determine the role of this variant in disease. Therefore, it has been classified as a Variant of Uncertain Significance. The current clinical and genetic evidence is not sufficient to establish whether loss-of-function variants in SCN11A cause disease. Algorithms developed to predict the effect of sequence changes on RNA splicing suggest that this variant may create or strengthen a splice site, but this prediction has not been confirmed by published transcriptional studies. This variant has not been reported in the literature in individuals with SCN11A-related conditions. This variant is not present in population databases (ExAC no frequency). This sequence change creates a premature translational stop signal (p.Trp1403*) in the SCN11A gene. It is expected to result in an absent or disrupted protein product.